The following is an entry in ClinVar:

NM_000038.6(APC):c.6230_6231insCA (p.Leu2078fs)

Gene: APC (APC regulator of Wnt signaling pathway; plus strand). Cytogenetic location: 5q22.2.
Variant type: Insertion.
Coding change: c.6230_6231insCA on transcript NM_000038.6 (MANE Select); coding-DNA positions 6230 to 6231, CA inserted.
Protein change: p.Leu2078fs; shifts the reading frame from leucine 2078.
Molecular consequence: frameshift variant. On other transcripts: non-coding transcript variant (2).
Genome position: GRCh38 VCF-style: chr5-112841824-C-CCA. GRCh37 (hg19) VCF-style: chr5-112177521-C-CCA.
Other names: c.6230_6231insCA, p.Leu2078fs (NM_001127510.3, NM_001354895.2, NM_001407450.1); c.6176_6177insCA, p.Leu2060fs (NM_001127511.3); c.6284_6285insCA, p.Leu2096fs (NM_001354896.2, NM_001407447.1, NM_001407448.1 and 1 more transcripts); c.6260_6261insCA, p.Leu2088fs (NM_001354897.2); c.6155_6156insCA, p.Leu2053fs (NM_001354898.2); c.6146_6147insCA, p.Leu2050fs (NM_001354899.2); c.6107_6108insCA, p.Leu2037fs (NM_001354900.2); c.6053_6054insCA, p.Leu2019fs (NM_001354901.2, NM_001407453.1); and 11 more; short protein forms L1694fs, L1795fs, L1918fs, L1949fs, L1952fs, L1977fs, L1987fs, L1995fs.
Identifiers: ClinVar variation 3230847 (VCV003230847.1), dbSNP rs2533699787, ClinGen allele CA2825001384.

ClinVar aggregate classification (germline): Likely pathogenic (1 of 4 stars; one submission).

Conditions:
Hereditary cancer-predisposing syndrome. Also called: Neoplastic Syndromes, Hereditary; Tumor predisposition; Hereditary neoplastic syndrome; Hereditary Cancer Syndrome. Identifiers: Orphanet 140162, MedGen C0027672, MeSH D009386, MONDO:0015356.

Submission:

Ambry Genetics
Classification: Likely pathogenic for Hereditary cancer-predisposing syndrome. Last evaluated: 2023-12-14. Review status: criteria provided, single submitter. Criteria: Ambry Variant Classification Scheme 2023. Collection method: clinical testing. Allele origin: germline.
Comment: The c.6230_6231insCA variant, located in coding exon 15 of the APC gene, results from an insertion of two nucleotides at position 6230 to 6231, causing a translational frameshift with a predicted alternate stop codon (p.L2078Nfs*4). This alteration occurs at the 3' terminus of theAPC gene, is not expected to trigger nonsense-mediated mRNA decay, and only impacts the last 26.9% of the protein. However, premature stop codons are typically deleterious in nature and a significant portion of the protein is affected (Ambry internal data). This variant is considered to be rare based on population cohorts in the Genome Aggregation Database (gnomAD). Based on the majority of available evidence to date, this variant is likely to be pathogenic.